The following is an entry in ClinVar:

ClinVar aggregate classification (germline): Likely pathogenic (1 of 4 stars; one submission).

Conditions:
Lynch syndrome 5 (LYNCH5). Also called: Colorectal cancer, hereditary nonpolyposis, type 5; Hereditary non-polyposis colorectal cancer, type 5. Identifiers: Orphanet 144, MedGen C1833477, MONDO:0013710, OMIM 614350. Disease mechanism: loss of function.

Submission:

Myriad Genetics, Inc.
Classification: Likely pathogenic for Lynch syndrome 5. Last evaluated: 2023-08-23. Review status: criteria provided, single submitter. Criteria: Myriad Autosomal Dominant, Autosomal Recessive and X-Linked Classification Criteria (2023). Collection method: clinical testing. Allele origin: unknown.
Comment: This variant is considered likely pathogenic. This variant occurs within a consensus splice junction and is predicted to result in abnormal mRNA splicing of either an out-of-frame exon or an in-frame exon necessary for protein stability and/or normal function.

NM_000179.3(MSH6):c.3438+1G>C

Gene: MSH6 (mutS homolog 6; plus strand). Cytogenetic location: 2p16.3.
Variant type: single nucleotide variant.
Coding change: c.3438+1G>C on transcript NM_000179.3 (MANE Select); the canonical splice donor site of the intron after coding-DNA position 3438, G replaced by C.
Molecular consequence: splice donor variant.
Genome position (GRCh38, 1-based): chr2:47,803,686, G>C. VCF-style: chr2-47803686-G-C. GRCh37 (hg19) VCF-style: chr2-48030825-G-C.
Other names: c.3438+1G>C (NM_001406809.1, NM_001406796.1, NM_001406808.1 and 1 more transcripts); c.2532+1G>C (NM_001406811.1, NM_001406814.1, NM_001281493.2 and 6 more transcripts); c.3141+1G>C (NM_001406805.1, NM_001406797.1, NM_001406801.1 and 10 more transcripts); c.3534+1G>C (NM_001406795.1, NM_001406802.1); c.3444+1G>C (NM_001406813.1); c.2913+1G>C (NM_001406807.1, NM_001406799.1, NM_001406806.1); c.3264+1G>C (NM_001406798.1); c.2574+1G>C (NM_001406803.1); and 7 more.
Identifiers: ClinVar variation 2673577 (VCV002673577.1), dbSNP rs267608096, ClinGen allele CA346758974.